The following is an entry in ClinVar:

NM_001204.7(BMPR2):c.2323A>G (p.Ser775Gly)

Gene: BMPR2 (bone morphogenetic protein receptor type 2; plus strand). Cytogenetic location: 2q33.2.
Variant type: single nucleotide variant.
Coding change: c.2323A>G on transcript NM_001204.7 (MANE Select); coding-DNA position 2323, A replaced by G.
Protein change: p.Ser775Gly; replaces serine 775 with glycine.
Molecular consequence: missense variant.
Genome position (GRCh38, 1-based): chr2:202,555,988, A>G. VCF-style: chr2-202555988-A-G. GRCh37 (hg19) VCF-style: chr2-203420711-A-G.
Other names: short protein forms S775G.
Identifiers: ClinVar variation 4867618 (VCV004867618.1).
Genomic context (GRCh38, chr2:202,555,988, plus strand): 5'-CCTACTAGTTTGCCTTTGAACACCAAAAATTCAACAAAAGAGCCCCGGCTAAAATTTGGC[A>G]GCAAGCACAAATCAAACTTGAAACAAGTCGAAACTGGAGTTGCCAAGATGAATACAATCA-3'
Protein context (NP_001195.2, residues 765-785): STKEPRLKFG[Ser775Gly]KHKSNLKQVE

ClinVar aggregate classification (germline): Uncertain significance (1 of 4 stars; one submission).

Conditions:
Inborn genetic diseases. Identifiers: MedGen C0950123, MeSH D030342.

Submission:

Ambry Genetics
Classification: Uncertain significance for Inborn genetic diseases. Last evaluated: 2026-04-28. Review status: criteria provided, single submitter. Criteria: Ambry Variant Classification Scheme 2023. Collection method: clinical testing. Allele origin: germline.
Comment: The p.S775G variant (also known as c.2323A>G), located in coding exon 12 of the BMPR2 gene, results from an A to G substitution at nucleotide position 2323. The serine at codon 775 is replaced by glycine, an amino acid with similar properties. This amino acid position is conserved. In addition, this alteration is predicted to be tolerated by in silico analysis. Based on the available evidence, the clinical significance of this variant remains unclear.